The following is an entry in ClinVar:

ClinVar aggregate classification (germline): Pathogenic (1 of 4 stars; one submission).

Conditions:
Neurofibromatosis, type 2 (SWNV). Also called: BILATERAL ACOUSTIC NEUROFIBROMATOSIS; SCHWANNOMATOSIS, VESTIBULAR; NF2-Related Schwannomatosis. Identifiers: Orphanet 637, MedGen C0027832, MONDO:0007039, OMIM 101000. Disease mechanism: loss of function.

Submission:

Labcorp Genetics (formerly Invitae), Labcorp
Classification: Pathogenic for Neurofibromatosis, type 2. Last evaluated: 2024-12-31. Review status: criteria provided, single submitter. Criteria: Invitae Variant Classification Sherloc (09022015). Collection method: clinical testing. Allele origin: germline.
Comment: This sequence change creates a premature translational stop signal (p.Glu108Serfs*15) in the NF2 gene. It is expected to result in an absent or disrupted protein product. Loss-of-function variants in NF2 are known to be pathogenic (PMID: 9643284, 16983642). This variant is not present in population databases (gnomAD no frequency). This variant has not been reported in the literature in individuals affected with NF2-related conditions. ClinVar contains an entry for this variant (Variation ID: 955527). For these reasons, this variant has been classified as Pathogenic.

Literature cited by the submitters: PubMed 9643284; PubMed 16983642.

NM_000268.4(NF2):c.322del (p.Glu108fs)

Gene: NF2 (NF2, moesin-ezrin-radixin like (MERLIN) tumor suppressor; plus strand). Cytogenetic location: 22q12.2.
Variant type: Deletion.
Coding change: c.322del on transcript NM_000268.4 (MANE Select); coding-DNA position 322, one base deleted (G; older notation c.322delG).
Protein change: p.Glu108fs; shifts the reading frame from glutamic acid 108.
Molecular consequence: frameshift variant. On other transcripts: non-coding transcript variant (1), intron variant (3).
Genome position (GRCh38, 1-based): chr22:29,639,171, G deleted; the last of 2 consecutive G bases (chr22:29,639,170-29,639,171); deleting either gives the same sequence. VCF-style (leftmost placement, unchanged base first): chr22-29639169-AG-A. GRCh37 (hg19) VCF-style: chr22-30035158-AG-A.
Other names: c.322del, p.Glu108fs (NM_016418.5, NM_181825.3, NM_181832.3 and 1 more transcripts); c.196del, p.Glu66fs (NM_181828.3); c.240+2295del (NM_181829.3); c.115-3031del (NM_181830.3, NM_181831.3); short protein forms E108fs, E66fs.
Identifiers: ClinVar variation 955527 (VCV000955527.8), dbSNP rs2065731921, ClinGen allele CA1139667049.